The following is an entry in ClinVar:

NM_001844.5(COL2A1):c.2716G>T (p.Gly906Ter)

Gene: COL2A1 (collagen type II alpha 1 chain; minus strand). Cytogenetic location: 12q13.11.
Variant type: single nucleotide variant.
Coding change: c.2716G>T on transcript NM_001844.5 (MANE Select); coding-DNA position 2716, G replaced by T.
Protein change: p.Gly906Ter; replaces glycine 906 with a stop codon.
Molecular consequence: nonsense.
Genome position (GRCh38, 1-based): chr12:47,979,528, C>A on the plus strand (G>T on the coding strand, the complement: COL2A1 is on the minus strand). VCF-style: chr12-47979528-C-A. GRCh37 (hg19) VCF-style: chr12-48373311-C-A.
Other names: c.2509G>T, p.Gly837Ter (NM_033150.3); short protein forms G837*, G906*.
Identifiers: ClinVar variation 4531411 (VCV004531411.1).
Genomic context (GRCh38, chr12:47,979,528, plus strand): 5'-TTCCATGCCTGCCTGTGCCTCTCATGCCAGGAGCATCACTTACATTGGAGCCTGGGGGTC[C>A]AACGCGGCCAGCAGCTCCAGGGAATCCAGTGGCTCCCTGTGTGGGGAGAGGAGAGCCCCT-3'

ClinVar aggregate classification (germline): Pathogenic (1 of 4 stars; one submission).

Conditions:
Stickler syndrome, type I, nonsyndromic ocular. Also called: STICKLER SYNDROME, TYPE I, PREDOMINANTLY OCULAR; STICKLER SYNDROME, ATYPICAL. Identifiers: MedGen C1836080, MONDO:0012287, OMIM 609508.

Submission:

Victorian Clinical Genetics Services, Murdoch Childrens Research Institute
Classification: Pathogenic for Stickler syndrome, type I, nonsyndromic ocular. Last evaluated: 2024-11-19. Review status: criteria provided, single submitter. Criteria: ACMG Guidelines, 2015. Collection method: clinical testing. Allele origin: germline. Affected: yes.
Comment: This variant is classified as Pathogenic. Evidence in support of pathogenic classification: Variant is predicted to cause nonsense-mediated decay (NMD) and loss of protein (premature termination codon is located at least 54 nucleotides upstream of the final exon-exon junction); Variant is absent from gnomAD (v2, v3 and v4); Other NMD-predicted variants comparable to the one identified in this case have very strong previous evidence for pathogenicity (DECIPHER); Additional information: This variant is heterozygous; This gene is associated with autosomal dominant disease; This variant has no previous evidence of pathogenicity; No published segregation evidence has been identified for this variant; No published functional evidence has been identified for this variant; Dominant negative and loss of function are known mechanisms of disease in this gene and are associated with COL2A1-related disorders. Loss of function variants have been reported to cause Stickler syndrome, whereas missense variants with a dominant negative effect on protein function result in spondyloepiphyseal or spondyloepimetaphyseal dysplasia (OMIM, PMIDs: 35052477, 15895462); Variants in this gene are known to have variable expressivity (PMID: 20301479).

Literature cited by the submitters: PubMed 15895462; PubMed 20301479; PubMed 35052477.